The following is an entry in ClinVar:

NM_001429.4(EP300):c.937C>G (p.Pro313Ala)

Gene: EP300 (EP300 lysine acetyltransferase; plus strand). Cytogenetic location: 22q13.2.
Variant type: single nucleotide variant.
Coding change: c.937C>G on transcript NM_001429.4 (MANE Select); coding-DNA position 937, C replaced by G.
Protein change: p.Pro313Ala; replaces proline 313 with alanine.
Molecular consequence: missense variant.
Genome position (GRCh38, 1-based): chr22:41,127,517, C>G. VCF-style: chr22-41127517-C-G. GRCh37 (hg19) VCF-style: chr22-41523521-C-G.
Other names: c.937C>G, p.Pro313Ala (NM_001362843.2); short protein forms P313A.
Identifiers: ClinVar variation 3655528 (VCV003655528.2).

ClinVar aggregate classification (germline): Uncertain significance (1 of 4 stars; one submission).

Conditions:
Rubinstein-Taybi syndrome due to EP300 haploinsufficiency. Also called: EP300-Related Rubinstein-Taybi Syndrome; RUBINSTEIN-TAYBI SYNDROME 2. Identifiers: Orphanet 353284, Orphanet 783, MedGen C3150941, MONDO:0013364, OMIM 613684.

Submission:

Labcorp Genetics (formerly Invitae), Labcorp
Classification: Uncertain significance for Rubinstein-Taybi syndrome due to EP300 haploinsufficiency. Last evaluated: 2024-06-04. Review status: criteria provided, single submitter. Criteria: Invitae Variant Classification Sherloc (09022015). Collection method: clinical testing. Allele origin: germline.
Comment: This sequence change replaces proline, which is neutral and non-polar, with alanine, which is neutral and non-polar, at codon 313 of the EP300 protein (p.Pro313Ala). This variant is not present in population databases (gnomAD no frequency). This variant has not been reported in the literature in individuals affected with EP300-related conditions. Advanced modeling of protein sequence and biophysical properties (such as structural, functional, and spatial information, amino acid conservation, physicochemical variation, residue mobility, and thermodynamic stability) performed at Invitae indicates that this missense variant is not expected to disrupt EP300 protein function with a negative predictive value of 80%. In summary, the available evidence is currently insufficient to determine the role of this variant in disease. Therefore, it has been classified as a Variant of Uncertain Significance.